The following is an entry in ClinVar:

ClinVar aggregate classification (germline): Benign/Likely benign. Review status: criteria provided, multiple submitters, no conflicts (2 of 4 stars). 9 submissions from 8 submitters: Benign (1); Likely benign (7). 1 of the submissions does not count toward it. Last evaluated 2026-05-01.

Conditions:
Adams-Oliver syndrome 5 (AOS5). Identifiers: Orphanet 974, MedGen C4014970, MONDO:0014459, OMIM 616028.
Familial thoracic aortic aneurysm and aortic dissection (TAAD). Also called: Thoracic aortic aneurysms and dissections. Identifiers: Orphanet 91387, MedGen C4707243, MONDO:0019625.
Aortic valve disease 1 (AOVD1). Identifiers: MedGen C3887892, MONDO:0024523, OMIM 109730.
NOTCH1-related disorder. Also called: NOTCH1-related disorders; NOTCH1-related condition.

Allele frequency attached by ClinVar (database versions not stated): gnomAD 0.00046 and 0.00051; ESP Exome Variant Server 0.00048; gnomAD exomes 0.00003 and 0.00010; ExAC 0.00012; TOPMed 0.00045.
gnomAD v4.1: 126 of 1,613,528 alleles (0.0078%); highest among the groups gnomAD compares: African/African-American, 0.13%; no homozygotes.

Submissions (9):

CeGaT Center for Human Genetics Tuebingen
Classification: Likely benign. Last evaluated: 2026-05-01. Review status: criteria provided, single submitter. Criteria: CeGaT Center For Human Genetics Tuebingen Variant Classification Criteria Version 2. Collection method: clinical testing. Allele origin: germline. Affected: yes. Observed: 3 variant alleles.
Comment: NOTCH1: BP4, BP7

Labcorp Genetics (formerly Invitae), Labcorp
Classification: Likely benign for Adams-Oliver syndrome 5. Last evaluated: 2026-01-15. Review status: criteria provided, single submitter. Criteria: Invitae Variant Classification Sherloc (09022015). Collection method: clinical testing. Allele origin: germline.

Women's Health and Genetics/Laboratory Corporation of America, LabCorp
Classification: Benign. Last evaluated: 2023-08-19. Review status: criteria provided, single submitter. Criteria: LabCorp Variant Classification Summary - May 2015. Collection method: clinical testing. Allele origin: germline.

Blueprint Genetics
Classification: Likely benign. Last evaluated: 2023-06-20. Review status: criteria provided, single submitter. Criteria: ACMG Guidelines, 2015. Collection method: clinical testing. Allele origin: germline.

Genome-Nilou Lab
Classification: Likely benign for Adams-Oliver syndrome 5. Last evaluated: 2022-03-15. Review status: criteria provided, single submitter. Criteria: ACMG Guidelines, 2015. Collection method: clinical testing. Allele origin: germline. Affected: no.

Genome-Nilou Lab
Classification: Likely benign for Aortic valve disease 1. Last evaluated: 2022-03-15. Review status: criteria provided, single submitter. Criteria: ACMG Guidelines, 2015. Collection method: clinical testing. Allele origin: germline. Affected: no.

Ambry Genetics
Classification: Likely benign for Familial thoracic aortic aneurysm and aortic dissection. Last evaluated: 2022-03-03. Review status: criteria provided, single submitter. Criteria: Ambry Variant Classification Scheme 2023. Collection method: clinical testing. Allele origin: germline.

GeneDx
Classification: Likely benign. Last evaluated: 2020-11-25. Review status: criteria provided, single submitter. Criteria: GeneDx Variant Classification Process June 2021. Collection method: clinical testing. Allele origin: germline. Affected: yes.

PreventionGenetics, part of Exact Sciences
Classification: Likely benign for NOTCH1-related condition. Last evaluated: 2021-11-23. Review status: no assertion criteria provided. Collection method: clinical testing. Allele origin: germline. Not counted in ClinVar's aggregate classification.
Comment: This variant is classified as likely benign based on ACMG/AMP sequence variant interpretation guidelines (Richards et al. 2015 PMID: 25741868, with internal and published modifications).

NM_017617.5(NOTCH1):c.6108C>T (p.Ala2036=)

Genes: NOTCH1 (notch receptor 1; minus strand), LOC126860794 (BRD4-independent group 4 enhancer GRCh37_chr9:139392592-139393791; plus strand). Cytogenetic location: 9q34.3.
Variant type: single nucleotide variant.
Coding change: c.6108C>T on transcript NM_017617.5 (MANE Select); coding-DNA position 6108, C replaced by T.
Protein change: p.Ala2036=; no amino-acid change (alanine 2036 retained).
Molecular consequence: synonymous variant.
Genome position (GRCh38, 1-based): chr9:136,498,971, G>A on the plus strand (C>T on the coding strand, the complement: NOTCH1 is on the minus strand). VCF-style: chr9-136498971-G-A. GRCh37 (hg19) VCF-style: chr9-139393423-G-A.
Other names: c.6108C>T (NM_017617.4); c.6108C>T, p.Ala2036= (LRG_1122t1).
Identifiers: ClinVar variation 477957 (VCV000477957.29), dbSNP rs369167693, ClinGen allele CA5340017.
Genomic context (GRCh38, chr9:136,498,971, plus strand): 5'-CATATCTTTGTTAGCCCCGTTCTTCAGGAGCACAACTGCGGCATCCACATTGTTCACGGC[G>A]GCGGCCCAGTGCAGGGCGGACTTGCCTGCGTGAAAGAAGCAGATGGGGTAGGTTGGAGAC-3'
Protein context (NP_060087.3, residues 2026-2046): DLGKSALHWA[Ala2036=]AVNNVDAAVV